The following is an entry in ClinVar:

ClinVar aggregate classification (germline): Pathogenic/Likely pathogenic. Review status: criteria provided, multiple submitters, no conflicts (2 of 4 stars). 3 submissions from 3 submitters: Pathogenic (1); Likely pathogenic (2). Last evaluated 2023-04-11.

Conditions:
Hereditary spastic paraplegia 47. Also called: CEREBRAL PALSY, SPASTIC QUADRIPLEGIC, 5; adaptor protein 4 (AP-4) deficiency syndrome; Spastic paraplegia 47, autosomal recessive. Identifiers: Orphanet 280763, MedGen C3279738, MONDO:0013551, OMIM 614066.

Allele frequency attached by ClinVar (database versions not stated): gnomAD 0.00001; TOPMed 0.00001; ExAC 0.00002; gnomAD exomes 0.00002.
gnomAD v4.1: 13 of 1,614,040 alleles (0.00081%); highest among the groups gnomAD compares: Admixed American, 0.0083%; no homozygotes.

Submissions (3):

Genome-Nilou Lab
Classification: Likely pathogenic for Hereditary spastic paraplegia 47. Last evaluated: 2023-04-11. Review status: criteria provided, single submitter. Criteria: ACMG Guidelines, 2015. Collection method: clinical testing. Allele origin: germline. Affected: no.

Labcorp Genetics (formerly Invitae), Labcorp
Classification: Pathogenic for Hereditary spastic paraplegia 47. Last evaluated: 2021-10-28. Review status: criteria provided, single submitter. Criteria: Invitae Variant Classification Sherloc (09022015). Collection method: clinical testing. Allele origin: germline.
Comment: This sequence change creates a premature translational stop signal (p.Arg514*) in the AP4B1 gene. It is expected to result in an absent or disrupted protein product. Loss-of-function variants in AP4B1 are known to be pathogenic (PMID: 22290197, 24700674, 24781758). For these reasons, this variant has been classified as Pathogenic. ClinVar contains an entry for this variant (Variation ID: 1032462). This premature translational stop signal has been observed in individual(s) with clinical features of hereditary spastic paraplegia (PMID: 32964447). This variant is present in population databases (rs767220480, gnomAD 0.01%).

Baylor Genetics
Classification: Likely pathogenic for Hereditary spastic paraplegia 47. Last evaluated: 2018-03-01. Review status: criteria provided, single submitter. Criteria: ACMG Guidelines, 2015. Collection method: clinical testing. Allele origin: maternal. Affected: yes.
Comment: This variant was determined to be likely pathogenic according to ACMG Guidelines, 2015 [PMID:25741868].

Literature cited by the submitters: PubMed 22290197 (cited by Labcorp Genetics (formerly Invitae), Labcorp); PubMed 24700674 (cited by Labcorp Genetics (formerly Invitae), Labcorp); PubMed 24781758 (cited by Labcorp Genetics (formerly Invitae), Labcorp); PubMed 32964447 (cited by Labcorp Genetics (formerly Invitae), Labcorp).

NM_001253852.3(AP4B1):c.1540C>T (p.Arg514Ter)

Genes: AP4B1 (adaptor related protein complex 4 subunit beta 1; minus strand), AP4B1-AS1 (AP4B1 antisense RNA 1; plus strand). Cytogenetic location: 1p13.2.
Variant type: single nucleotide variant.
Coding change: c.1540C>T on transcript NM_001253852.3 (MANE Select); coding-DNA position 1540, C replaced by T.
Protein change: p.Arg514Ter; replaces arginine 514 with a stop codon.
Molecular consequence: nonsense.
Genome position (GRCh38, 1-based): chr1:113,896,009, G>A on the plus strand (C>T on the coding strand, the complement: AP4B1 is on the minus strand). VCF-style: chr1-113896009-G-A. GRCh37 (hg19) VCF-style: chr1-114438631-G-A.
Other names: c.1243C>T, p.Arg415Ter (NM_001253853.3); c.1036C>T, p.Arg346Ter (NM_001308312.2); c.1540C>T, p.Arg514Ter (NM_006594.5); short protein forms R514*, R346*, R415*.
Identifiers: ClinVar variation 1032462 (VCV001032462.7), dbSNP rs767220480, ClinGen allele CA1015757.